The following is an entry in ClinVar:

NM_022552.5(DNMT3A):c.913T>C (p.Trp305Arg)

Gene: DNMT3A (DNA methyltransferase 3 alpha; minus strand). Cytogenetic location: 2p23.3.
Variant type: single nucleotide variant.
Coding change: c.913T>C on transcript NM_022552.5 (MANE Select); coding-DNA position 913, T replaced by C.
Protein change: p.Trp305Arg; replaces tryptophan 305 with arginine.
Molecular consequence: missense variant. On other transcripts: non-coding transcript variant (1).
Genome position (GRCh38, 1-based): chr2:25,247,692, A>G on the plus strand (T>C on the coding strand, the complement: DNMT3A is on the minus strand). VCF-style: chr2-25247692-A-G. GRCh37 (hg19) VCF-style: chr2-25470561-A-G.
Other names: c.457T>C, p.Trp153Arg (NM_001320893.1); c.244T>C, p.Trp82Arg (NM_001375819.1); c.346T>C, p.Trp116Arg (NM_153759.3); c.913T>C, p.Trp305Arg (NM_175629.2); short protein forms W82R, W116R, W153R, W305R.
Identifiers: ClinVar variation 5000113 (VCV005000113.1).

ClinVar aggregate classification (germline): Uncertain significance (1 of 4 stars; one submission).

Conditions:
DNMT3A-related disorder. Also called: DNMT3A-related condition; DNMT3A-related disorders.

Submission:

PreventionGenetics, part of Exact Sciences
Classification: Uncertain significance for DNMT3A-related condition. Last evaluated: 2024-12-12. Review status: criteria provided, single submitter. Criteria: ACMG Guidelines, 2015. Collection method: clinical testing. Allele origin: germline.
Comment: The DNMT3A c.913T>C variant is predicted to result in the amino acid substitution p.Trp305Arg. To our knowledge, this variant has not been reported in the literature or in a large population database (gnomAD), indicating this variant is rare. At this time, the clinical significance of this variant is uncertain due to the absence of conclusive functional and genetic evidence.